The following is an entry in ClinVar:

NM_002461.3(MVD):c.460C>T (p.Arg154Trp)

Gene: MVD (mevalonate diphosphate decarboxylase; minus strand). Cytogenetic location: 16q24.2.
Variant type: single nucleotide variant.
Coding change: c.460C>T on transcript NM_002461.3 (MANE Select); coding-DNA position 460, C replaced by T.
Protein change: p.Arg154Trp; replaces arginine 154 with tryptophan.
Molecular consequence: missense variant.
Genome position (GRCh38, 1-based): chr16:88,656,248, G>A on the plus strand (C>T on the coding strand, the complement: MVD is on the minus strand). VCF-style: chr16-88656248-G-A. GRCh37 (hg19) VCF-style: chr16-88722656-G-A.
Other names: short protein forms R154W.
Identifiers: ClinVar variation 3041656 (VCV003041656.2), dbSNP rs141463390, ClinGen allele CA8228903.

ClinVar aggregate classification (germline): Benign (0 of 4 stars; one submission).

Conditions:
MVD-related disorder. Also called: MVD-related condition.

Allele frequency attached by ClinVar (database versions not stated): gnomAD 0.00027; TOPMed 0.00029; ExAC 0.00038; ESP Exome Variant Server 0.00046.

Submission:

PreventionGenetics, part of Exact Sciences
Classification: Benign for MVD-related condition. Last evaluated: 2019-05-28. Review status: no assertion criteria provided. Collection method: clinical testing. Allele origin: germline.
Comment: This variant is classified as benign based on ACMG/AMP sequence variant interpretation guidelines (Richards et al. 2015 PMID: 25741868, with internal and published modifications).